The following is an entry in ClinVar:

NM_021628.3(ALOXE3):c.554+2T>C

Gene: ALOXE3 (arachidonate epidermal lipoxygenase 3; minus strand). Cytogenetic location: 17p13.1.
Variant type: single nucleotide variant.
Coding change: c.554+2T>C on transcript NM_021628.3 (MANE Select); the canonical splice donor site of the intron after coding-DNA position 554, T replaced by C.
Molecular consequence: splice donor variant.
Genome position (GRCh38, 1-based): chr17:8,114,936, A>G on the plus strand (T>C on the coding strand, the complement: ALOXE3 is on the minus strand). VCF-style: chr17-8114936-A-G. GRCh37 (hg19) VCF-style: chr17-8018254-A-G.
Other names: c.950+2T>C (NM_001165960.1); c.554+2T>C (NM_001369446.1).
Identifiers: ClinVar variation 4983457 (VCV004983457.1).
Genomic context (GRCh38, chr17:8,114,936, plus strand): 5'-ATCCTCCCGACAGACCTTCCACTTGACTTCCTTTCCCCTCCTTCCCAAGCTTTAATCTTC[A>G]CCTGTCACCCTGGTCTACACAAGTTGTCGTCTTTGTCAAGGCAAATTTCTTGTCTGACTC-3'

ClinVar aggregate classification (germline): Likely pathogenic (1 of 4 stars; one submission).

Conditions:
ALOXE3-related disorder. Also called: ALOXE3-related condition.

gnomAD v4.1: 1 of 1,613,494 alleles (0.000062%); highest among the groups gnomAD compares: Non-Finnish European, 0.000085%; no homozygotes.

Submission:

PreventionGenetics, part of Exact Sciences
Classification: Likely pathogenic for ALOXE3-related condition. Last evaluated: 2025-06-22. Review status: criteria provided, single submitter. Criteria: ACMG Guidelines, 2015. Collection method: clinical testing. Allele origin: germline.
Comment: The ALOXE3 c.554+2T>C variant is predicted to disrupt the GT donor site and interfere with normal splicing. To our knowledge, this variant has not been reported in the literature or in a large population database (gnomAD), indicating this variant is rare. Variants that disrupt the consensus splice donor site in ALOXE3 are expected to be pathogenic. This variant is interpreted as likely pathogenic.